The following is an entry in ClinVar:

ClinVar aggregate classification (germline): Pathogenic (1 of 4 stars; one submission).

Conditions:
Methylmalonic aciduria, cblB type (MACB). Also called: Methylmalonic acidemia cblB type; METHYLMALONIC ACIDURIA, VITAMIN B12-RESPONSIVE, DUE TO DEFECT IN SYNTHESIS OF ADENOSYLCOBALAMIN, cblB TYPE; Vitamin B12-responsive methylmalonic acidemia type cblB. Identifiers: Orphanet 28, Orphanet 79311, MedGen C1855102, MONDO:0009614, OMIM 251110.

Submission:

Labcorp Genetics (formerly Invitae), Labcorp
Classification: Pathogenic for Methylmalonic aciduria, cblB type. Last evaluated: 2023-12-12. Review status: criteria provided, single submitter. Criteria: Invitae Variant Classification Sherloc (09022015). Collection method: clinical testing. Allele origin: germline.
Comment: This sequence change creates a premature translational stop signal (p.Ala192Glyfs*27) in the MMAB gene. While this is not anticipated to result in nonsense mediated decay, it is expected to disrupt the last 59 amino acid(s) of the MMAB protein. This variant is not present in population databases (gnomAD no frequency). This variant has not been reported in the literature in individuals affected with MMAB-related conditions. Experimental studies and prediction algorithms are not available or were not evaluated, and the functional significance of this variant is currently unknown. This variant disrupts a region of the MMAB protein in which other variant(s) (p.Gln234*) have been determined to be pathogenic (PMID: 16410054, 21604717). This suggests that this is a clinically significant region of the protein, and that variants that disrupt it are likely to be disease-causing. For these reasons, this variant has been classified as Pathogenic.

Literature cited by the submitters: PubMed 16410054; PubMed 21604717.

NM_052845.4(MMAB):c.574dup (p.Ala192fs)

Gene: MMAB (metabolism of cobalamin associated B; minus strand). Cytogenetic location: 12q24.11.
Variant type: Duplication.
Coding change: c.574dup on transcript NM_052845.4 (MANE Select); coding-DNA position 574, one base duplicated (G; older notation c.574dupG).
Protein change: p.Ala192fs; shifts the reading frame from alanine 192.
Molecular consequence: frameshift variant. On other transcripts: non-coding transcript variant (1).
Genome position (GRCh38, 1-based): chr12:109,561,050, C duplicated on the plus strand (G on the coding strand, the reverse complement: MMAB is on the minus strand); the first of 3 consecutive C bases (chr12:109,561,050-109,561,052); duplicating any one gives the same sequence. VCF-style (leftmost placement, unchanged base first): chr12-109561049-G-GC. GRCh37 (hg19) VCF-style: chr12-109998854-G-GC.
Other names: short protein forms A192fs.
Identifiers: ClinVar variation 2788607 (VCV002788607.4), dbSNP rs1884177009, ClinGen allele CA2620810222.